The following is an entry in ClinVar:

NM_000535.7(PMS2):c.638C>G (p.Pro213Arg)

Gene: PMS2 (PMS1 homolog 2, mismatch repair system component; minus strand). Cytogenetic location: 7p22.1.
Variant type: single nucleotide variant.
Coding change: c.638C>G on transcript NM_000535.7 (MANE Select); coding-DNA position 638, C replaced by G.
Protein change: p.Pro213Arg; replaces proline 213 with arginine.
Molecular consequence: missense variant. On other transcripts: 5 prime UTR variant (2), non-coding transcript variant (1), intron variant (1).
Genome position (GRCh38, 1-based): chr7:5,999,175, G>C on the plus strand (C>G on the coding strand, the complement: PMS2 is on the minus strand). VCF-style: chr7-5999175-G-C. GRCh37 (hg19) VCF-style: chr7-6038806-G-C.
Other names: c.233C>G, p.Pro78Arg (NM_001322003.2, NM_001322004.2, NM_001322005.2 and 2 more transcripts); c.638C>G, p.Pro213Arg (NM_001322006.2, NM_001322014.2); c.320C>G, p.Pro107Arg (NM_001322007.2, NM_001322008.2); c.-296C>G (NM_001322011.2, NM_001322012.2); c.329C>G, p.Pro110Arg (NM_001322015.2); c.133-1752C>G (NM_001322013.2); short protein forms P107R, P110R, P213R, P78R.
Identifiers: ClinVar variation 1021379 (VCV001021379.8), dbSNP rs1784803938, ClinGen allele CA366743935.

ClinVar aggregate classification (germline): Uncertain significance (1 of 4 stars; one submission).

Conditions:
Hereditary nonpolyposis colorectal neoplasms. Identifiers: MedGen C0009405, MeSH D003123.

Submission:

Labcorp Genetics (formerly Invitae), Labcorp
Classification: Uncertain significance for Hereditary nonpolyposis colorectal neoplasms. Last evaluated: 2023-07-13. Review status: criteria provided, single submitter. Criteria: Invitae Variant Classification Sherloc (09022015). Collection method: clinical testing. Allele origin: germline.
Comment: This sequence change replaces proline, which is neutral and non-polar, with arginine, which is basic and polar, at codon 213 of the PMS2 protein (p.Pro213Arg). This variant is not present in population databases (gnomAD no frequency). This variant has not been reported in the literature in individuals affected with PMS2-related conditions. ClinVar contains an entry for this variant (Variation ID: 1021379). Advanced modeling of protein sequence and biophysical properties (such as structural, functional, and spatial information, amino acid conservation, physicochemical variation, residue mobility, and thermodynamic stability) has been performed at Invitae for this missense variant, however the output from this modeling did not meet the statistical confidence thresholds required to predict the impact of this variant on PMS2 protein function. In summary, the available evidence is currently insufficient to determine the role of this variant in disease. Therefore, it has been classified as a Variant of Uncertain Significance.